The following is an entry in ClinVar:

NM_000443.4(ABCB4):c.2395-19C>T

Gene: ABCB4 (ATP binding cassette subfamily B member 4; minus strand). Cytogenetic location: 7q21.12.
Variant type: single nucleotide variant.
Coding change: c.2395-19C>T on transcript NM_000443.4 (MANE Select); 19 bases into the intron before coding-DNA position 2395, C replaced by T.
Molecular consequence: intron variant.
Genome position (GRCh38, 1-based): chr7:87,418,639, G>A on the plus strand (C>T on the coding strand, the complement: ABCB4 is on the minus strand). VCF-style: chr7-87418639-G-A. GRCh37 (hg19) VCF-style: chr7-87047955-G-A.
Other names: p.?; c.2395-19C>T (NM_018850.3, NM_018849.3).
Identifiers: ClinVar variation 256162 (VCV000256162.8), dbSNP rs45593648, ClinGen allele CA4327022.

ClinVar aggregate classification (germline): Benign/Likely benign. Review status: criteria provided, multiple submitters, no conflicts (2 of 4 stars). 5 submissions from 5 submitters: Benign (3); Likely benign (2). Last evaluated 2026-01-27.

Allele frequency attached by ClinVar (database versions not stated): gnomAD exomes 0.00027 and 0.00082; gnomAD 0.00260 and 0.00253; TOPMed 0.00292; ESP Exome Variant Server 0.00308; 1000 Genomes Project 0.00439; 1000 Genomes Project 30x 0.00562; ExAC 0.00099.
gnomAD v4.1: 826 of 1,602,136 alleles (0.052%); highest among the groups gnomAD compares: African/African-American, 0.86%; 6 homozygotes.

Submissions (5):

Labcorp Genetics (formerly Invitae), Labcorp
Classification: Benign. Last evaluated: 2026-01-27. Review status: criteria provided, single submitter. Criteria: Invitae Variant Classification Sherloc (09022015). Collection method: clinical testing. Allele origin: germline.

Blueprint Genetics
Classification: Likely benign. Last evaluated: 2024-11-13. Review status: criteria provided, single submitter. Criteria: ACMG Guidelines, 2015. Collection method: clinical testing. Allele origin: germline.

Mayo Clinic Laboratories, Mayo Clinic
Classification: Benign. Last evaluated: 2024-07-09. Review status: criteria provided, single submitter. Criteria: ACMG Guidelines, 2015. Collection method: clinical testing. Allele origin: germline. Observed: 2 variant alleles.
Comment: BA1, BP4, BP7

GeneDx
Classification: Likely benign. Last evaluated: 2016-07-05. Review status: criteria provided, single submitter. Criteria: GeneDx Variant Classification (06012015). Collection method: clinical testing. Allele origin: germline. Affected: yes.
Comment: This variant is considered likely benign or benign based on one or more of the following criteria: it is a conservative change, it occurs at a poorly conserved position in the protein, it is predicted to be benign by multiple in silico algorithms, and/or has population frequency not consistent with disease.

PreventionGenetics, part of Exact Sciences
Classification: Benign. Review status: criteria provided, single submitter. Criteria: ACMG Guidelines, 2015. Collection method: clinical testing. Allele origin: germline.